The following is an entry in ClinVar:

NM_017534.6(MYH2):c.1296del (p.Ala433fs)

Genes: MYH2 (myosin heavy chain 2; minus strand), MYHAS (myosin heavy chain gene cluster antisense RNA; plus strand). Cytogenetic location: 17p13.1.
Variant type: Deletion.
Coding change: c.1296del on transcript NM_017534.6 (MANE Select); coding-DNA position 1296, one base deleted (A; older notation c.1296delA).
Protein change: p.Ala433fs; shifts the reading frame from alanine 433.
Molecular consequence: frameshift variant.
Genome position (GRCh38, 1-based): chr17:10,539,325, T deleted on the plus strand (A on the coding strand, the reverse complement: MYH2 is on the minus strand); the first of 3 consecutive T bases (chr17:10,539,325-10,539,327); deleting any one gives the same sequence. VCF-style (leftmost placement, unchanged base first): chr17-10539324-CT-C. GRCh37 (hg19) VCF-style: chr17-10442641-CT-C.
Other names: c.1296del, p.Ala433fs (NM_001100112.2); short protein forms A433fs.
Identifiers: ClinVar variation 4804918 (VCV004804918.1).

ClinVar aggregate classification (germline): Pathogenic (1 of 4 stars; one submission).

Conditions:
Myopathy, proximal, and ophthalmoplegia (CMYO6). Also called: MYOPATHY WITH CONGENITAL JOINT CONTRACTURES, OPHTHALMOPLEGIA, AND RIMMED VACUOLES; INCLUSION BODY MYOPATHY 3, AUTOSOMAL DOMINANT; CONGENITAL MYOPATHY 6 WITH OPHTHALMOPLEGIA. Identifiers: Orphanet 363677, Orphanet 79091, MedGen C1854106, MONDO:0011577, OMIM 605637.

Submission:

Labcorp Genetics (formerly Invitae), Labcorp
Classification: Pathogenic for Myopathy, proximal, and ophthalmoplegia. Last evaluated: 2025-09-01. Review status: criteria provided, single submitter. Criteria: Invitae Variant Classification Sherloc (09022015). Collection method: clinical testing. Allele origin: germline.
Comment: This sequence change creates a premature translational stop signal (p.Ala433Profs*150) in the MYH2 gene. It is expected to result in an absent or disrupted protein product. Loss-of-function variants in MYH2 are known to be pathogenic (PMID: 20418530, 23388406, 24193343). This variant is not present in population databases (gnomAD no frequency). This variant has not been reported in the literature in individuals affected with MYH2-related conditions. For these reasons, this variant has been classified as Pathogenic.

Literature cited by the submitters: PubMed 20418530; PubMed 23388406; PubMed 24193343.